The following is an entry in ClinVar:

ClinVar aggregate classification (germline): Uncertain significance (1 of 4 stars; one submission).

Allele frequency attached by ClinVar (database versions not stated): gnomAD exomes 0.00001; TOPMed 0.00003; ExAC 0.00002; gnomAD 0.00001; ESP Exome Variant Server 0.00008.
gnomAD v4.1: 9 of 1,613,652 alleles (0.00056%); highest among the groups gnomAD compares: East Asian, 0.0022%; no homozygotes.

Submission:

Labcorp Genetics (formerly Invitae), Labcorp
Classification: Uncertain significance. Last evaluated: 2022-09-01. Review status: criteria provided, single submitter. Criteria: Invitae Variant Classification Sherloc (09022015). Collection method: clinical testing. Allele origin: germline.
Comment: This sequence change replaces arginine, which is basic and polar, with tryptophan, which is neutral and slightly polar, at codon 65 of the SLC24A1 protein (p.Arg65Trp). This variant is present in population databases (rs369879299, gnomAD 0.003%). This variant has not been reported in the literature in individuals affected with SLC24A1-related conditions. ClinVar contains an entry for this variant (Variation ID: 1387181). Algorithms developed to predict the effect of missense changes on protein structure and function are either unavailable or do not agree on the potential impact of this missense change (SIFT: "Deleterious"; PolyPhen-2: "Benign"; Align-GVGD: "Class C0"). In summary, the available evidence is currently insufficient to determine the role of this variant in disease. Therefore, it has been classified as a Variant of Uncertain Significance.

NM_004727.3(SLC24A1):c.193C>T (p.Arg65Trp)

Gene: SLC24A1 (solute carrier family 24 member 1; plus strand). Cytogenetic location: 15q22.31.
Variant type: single nucleotide variant.
Coding change: c.193C>T on transcript NM_004727.3 (MANE Select); coding-DNA position 193, C replaced by T.
Protein change: p.Arg65Trp; replaces arginine 65 with tryptophan.
Molecular consequence: missense variant.
Genome position (GRCh38, 1-based): chr15:65,624,273, C>T. VCF-style: chr15-65624273-C-T. GRCh37 (hg19) VCF-style: chr15-65916611-C-T.
Other names: c.193C>T, p.Arg65Trp (NM_001301031.1, NM_001301032.1, NM_001301033.2); short protein forms R65W.
Identifiers: ClinVar variation 1387181 (VCV001387181.3), dbSNP rs369879299, ClinGen allele CA7619706.